The following is an entry in ClinVar:

ClinVar aggregate classification (germline): Uncertain significance (1 of 4 stars; one submission).

Allele frequency attached by ClinVar (database versions not stated): TOPMed below 0.00001.

Submission:

GeneDx
Classification: Uncertain significance. Last evaluated: 2022-09-13. Review status: criteria provided, single submitter. Criteria: GeneDx Variant Classification Process June 2021. Collection method: clinical testing. Allele origin: germline. Affected: yes.
Comment: Not observed at significant frequency in large population cohorts (gnomAD); In silico analysis supports that this missense variant does not alter protein structure/function; Has not been previously published as pathogenic or benign to our knowledge

NM_001384474.1(LOXHD1):c.2665C>G (p.Pro889Ala)

Gene: LOXHD1 (lipoxygenase homology PLAT domains 1; minus strand). Cytogenetic location: 18q21.1.
Variant type: single nucleotide variant.
Coding change: c.2665C>G on transcript NM_001384474.1 (MANE Select); coding-DNA position 2665, C replaced by G.
Protein change: p.Pro889Ala; replaces proline 889 with alanine.
Molecular consequence: missense variant.
Genome position (GRCh38, 1-based): chr18:46,560,479, G>C on the plus strand (C>G on the coding strand, the complement: LOXHD1 is on the minus strand). VCF-style: chr18-46560479-G-C. GRCh37 (hg19) VCF-style: chr18-44140442-G-C.
Other names: c.2665C>G, p.Pro889Ala (NM_144612.7); short protein forms P889A.
Identifiers: ClinVar variation 2443480 (VCV002443480.1), dbSNP rs978581950, ClinGen allele CA402371769.